The following is an entry in ClinVar:

ClinVar aggregate classification (germline): Likely benign (0 of 4 stars; one submission).

Conditions:
GLI3-related disorder. Also called: GLI3-related disorders; GLI3-related condition. Identifiers: MedGen CN239292.

Allele frequency attached by ClinVar (database versions not stated): TOPMed below 0.00001; gnomAD 0.00001; ExAC 0.00002.
gnomAD v4.1: 2 of 1,571,418 alleles (0.00013%); highest among the groups gnomAD compares: African/African-American, 0.0013%; no homozygotes.

Submission:

PreventionGenetics, part of Exact Sciences
Classification: Likely benign for GLI3-related condition. Last evaluated: 2023-03-06. Review status: no assertion criteria provided. Collection method: clinical testing. Allele origin: germline.
Comment: This variant is classified as likely benign based on ACMG/AMP sequence variant interpretation guidelines (Richards et al. 2015 PMID: 25741868, with internal and published modifications).

NM_000168.6(GLI3):c.2994G>A (p.Pro998=)

Gene: GLI3 (GLI family zinc finger 3; minus strand). Cytogenetic location: 7p14.1.
Variant type: single nucleotide variant.
Coding change: c.2994G>A on transcript NM_000168.6 (MANE Select); coding-DNA position 2994, G replaced by A.
Protein change: p.Pro998=; no amino-acid change (proline 998 retained).
Molecular consequence: synonymous variant.
Genome position (GRCh38, 1-based): chr7:41,966,079, C>T on the plus strand (G>A on the coding strand, the complement: GLI3 is on the minus strand). VCF-style: chr7-41966079-C-T. GRCh37 (hg19) VCF-style: chr7-42005677-C-T.
Identifiers: ClinVar variation 3050933 (VCV003050933.2), dbSNP rs780902726, ClinGen allele CA4230479.
Genomic context (GRCh38, chr7:41,966,079, plus strand): 5'-CAGGGCCAGGCCCTCGGAGCCTGTCCGCACCGGGTCGCTGGCCCTCCTCACGCCGTGGCC[C>T]GGCGCATCGTGCGGCTGCAGGTGGCGCCGCCCGTAGCCGTGGGCTCCCCCGTCGCTGCAC-3'
Protein context (NP_000159.3, residues 988-1008): GRRHLQPHDA[Pro998=]GHGVRRASDP